The following is an entry in ClinVar:

ClinVar aggregate classification (germline): Benign/Likely benign. Review status: criteria provided, multiple submitters, no conflicts (2 of 4 stars). 4 submissions from 4 submitters: Benign (2); Likely benign (2). Last evaluated 2026-02-01.

Conditions:
Autosomal recessive nonsyndromic hearing loss 22. Identifiers: Orphanet 90636, MedGen C1846896, MONDO:0011762, OMIM 607039.

Allele frequency attached by ClinVar (database versions not stated): gnomAD exomes 0.00120 and 0.00315; ExAC 0.00373; gnomAD 0.01168 and 0.01254; 1000 Genomes Project 0.01198; 1000 Genomes Project 30x 0.01265; TOPMed 0.01343; ESP Exome Variant Server 0.01377.

Submissions (4):

Labcorp Genetics (formerly Invitae), Labcorp
Classification: Benign. Last evaluated: 2026-02-01. Review status: criteria provided, single submitter. Criteria: Invitae Variant Classification Sherloc (09022015). Collection method: clinical testing. Allele origin: germline.

ARUP Laboratories, Molecular Genetics and Genomics, ARUP Laboratories
Classification: Benign for Autosomal recessive nonsyndromic hearing loss 22. Last evaluated: 2023-10-14. Review status: criteria provided, single submitter. Criteria: ARUP Molecular Germline Variant Investigation Process 2024. Collection method: clinical testing. Allele origin: germline.

GeneDx
Classification: Likely benign. Last evaluated: 2018-06-13. Review status: criteria provided, single submitter. Criteria: GeneDx Variant Classification (06012015). Collection method: clinical testing. Allele origin: germline. Affected: yes.
Comment: This variant is considered likely benign or benign based on one or more of the following criteria: it is a conservative change, it occurs at a poorly conserved position in the protein, it is predicted to be benign by multiple in silico algorithms, and/or has population frequency not consistent with disease.

Breakthrough Genomics
Classification: Likely benign. Review status: criteria provided, single submitter. Criteria: ACMG Guidelines, 2015. Collection method: not provided. Allele origin: germline. Inheritance: Autosomal recessive inheritance. Affected: yes.

NM_144672.4(OTOA):c.1105-17G>A

Gene: OTOA (otoancorin). Cytogenetic location: 16p12.2.
Variant type: single nucleotide variant.
Coding change: c.1105-17G>A on transcript NM_144672.4 (MANE Select); 17 bases into the intron before coding-DNA position 1105, G replaced by A.
Molecular consequence: intron variant.
Genome position (GRCh38, 1-based): chr16:21,709,871, G>A. VCF-style: chr16-21709871-G-A. GRCh37 (hg19) VCF-style: chr16-21721192-G-A.
Other names: c.868-17G>A (NM_001161683.2); c.133-17G>A (NM_170664.3).
Identifiers: ClinVar variation 677071 (VCV000677071.13), dbSNP rs73549643, ClinGen allele CA7952548.